The following is an entry in ClinVar:

NM_182961.4(SYNE1):c.2662G>A (p.Val888Met)

Gene: SYNE1 (spectrin repeat containing nuclear envelope protein 1; minus strand). Cytogenetic location: 6q25.2.
Variant type: single nucleotide variant.
Coding change: c.2662G>A on transcript NM_182961.4 (MANE Select); coding-DNA position 2662, G replaced by A.
Protein change: p.Val888Met; replaces valine 888 with methionine.
Molecular consequence: missense variant.
Genome position (GRCh38, 1-based): chr6:152,455,951, C>T on the plus strand (G>A on the coding strand, the complement: SYNE1 is on the minus strand). VCF-style: chr6-152455951-C-T. GRCh37 (hg19) VCF-style: chr6-152777086-C-T.
Other names: c.2683G>A, p.Val895Met (NM_033071.5); short protein forms V888M, V895M.
Identifiers: ClinVar variation 970536 (VCV000970536.9), dbSNP rs756888254, ClinGen allele CA4059070.

ClinVar aggregate classification (germline): Uncertain significance (1 of 4 stars; one submission).

Conditions:
Autosomal recessive ataxia, Beauce type. Also called: Spinocerebellar ataxia, autosomal recessive 8; ATAXIA, RECESSIVE, OF BEAUCE; SYNE1-Related Autosomal Recessive Cerebellar Ataxia; SYNE1 Deficiency. Identifiers: Orphanet 88644, MedGen C1853116, MONDO:0012549, OMIM 610743.
Emery-Dreifuss muscular dystrophy 4, autosomal dominant (EDMD4). Also called: EMERY-DREIFUSS MUSCULAR DYSTROPHY 4 WITH VARIABLE FEATURES. Identifiers: Orphanet 261, MedGen C2751807, MONDO:0013071, OMIM 612998.

Allele frequency attached by ClinVar (database versions not stated): TOPMed below 0.00001; ExAC 0.00001; gnomAD 0.00001; gnomAD exomes 0.00001.
gnomAD v4.1: 21 of 1,614,006 alleles (0.0013%); highest among the groups gnomAD compares: African/African-American, 0.004%; no homozygotes.

Submission:

Labcorp Genetics (formerly Invitae), Labcorp
Classification: Uncertain significance for Emery-Dreifuss muscular dystrophy 4, autosomal dominant; Autosomal recessive ataxia, Beauce type. Last evaluated: 2020-04-14. Review status: criteria provided, single submitter. Criteria: Invitae Variant Classification Sherloc (09022015). Collection method: clinical testing. Allele origin: germline.
Comment: This sequence change replaces valine with methionine at codon 895 of the SYNE1 protein (p.Val895Met). The valine residue is moderately conserved and there is a small physicochemical difference between valine and methionine. In summary, the available evidence is currently insufficient to determine the role of this variant in disease. Therefore, it has been classified as a Variant of Uncertain Significance. Algorithms developed to predict the effect of missense changes on protein structure and function are either unavailable or do not agree on the potential impact of this missense change (SIFT: "Deleterious"; PolyPhen-2: "Benign"; Align-GVGD: "Class C0"). This variant has not been reported in the literature in individuals with SYNE1-related conditions. This variant is present in population databases (rs756888254, ExAC 0.009%).